The following is an entry in ClinVar:

NM_000264.5(PTCH1):c.54_59del (p.Gly19_Cys20del)

Genes: PTCH1 (patched 1; minus strand), LOC130002133 (ATAC-STARR-seq lymphoblastoid silent region 20071; plus strand). Cytogenetic location: 9q22.32.
Variant type: Deletion.
Coding change: c.54_59del on transcript NM_000264.5 (MANE Select); coding-DNA positions 54 to 59, 6 bases deleted (CGGCTG; older notation c.54_59delCGGCTG).
Protein change: p.Gly19_Cys20del.
Molecular consequence: inframe deletion. On other transcripts: non-coding transcript variant (1), intron variant (3).
Genome position (GRCh38, 1-based): chr9:95,508,303-95,508,308, CAGCCG deleted on the plus strand (CGGCTG on the coding strand, the reverse complement: PTCH1 is on the minus strand); deleting any 6 consecutive bases within chr9:95,508,303-95,508,309 gives the same sequence; the c. name uses the placement nearest the transcript's 3' end. VCF-style (leftmost placement, unchanged base first): chr9-95508302-ACAGCCG-A. GRCh37 (hg19) VCF-style: chr9-98270584-ACAGCCG-A.
Other names: c.54_59del, p.Gly19_Cys20del (NM_001354918.2); c.199-1709_199-1704del (NM_001083603.3); c.4-1709_4-1704del (NM_001083602.3, NM_001354919.2).
Identifiers: ClinVar variation 4716761 (VCV004716761.1).

ClinVar aggregate classification (germline): Uncertain significance (1 of 4 stars; one submission).

Conditions:
Gorlin syndrome. Also called: Basal cell nevus syndrome; Nevoid Basal Cell Carcinoma Syndrome. Identifiers: Orphanet 377, MedGen C0004779, MONDO:0007187.

Submission:

Labcorp Genetics (formerly Invitae), Labcorp
Classification: Uncertain significance for Gorlin syndrome. Last evaluated: 2025-04-07. Review status: criteria provided, single submitter. Criteria: Invitae Variant Classification Sherloc (09022015). Collection method: clinical testing. Allele origin: germline.
Comment: This variant, c.54_59del, results in the deletion of 2 amino acid(s) of the PTCH1 protein (p.Gly19_Cys20del), but otherwise preserves the integrity of the reading frame. This variant is not present in population databases (gnomAD no frequency). This variant has not been reported in the literature in individuals affected with PTCH1-related conditions. Experimental studies and prediction algorithms are not available or were not evaluated, and the functional significance of this variant is currently unknown. In summary, the available evidence is currently insufficient to determine the role of this variant in disease. Therefore, it has been classified as a Variant of Uncertain Significance.